The following is an entry in ClinVar:

NM_006295.3(VARS1):c.2625C>T (p.Asp875=)

Gene: VARS1 (valyl-tRNA synthetase 1; minus strand). Cytogenetic location: 6p21.33.
Variant type: single nucleotide variant.
Coding change: c.2625C>T on transcript NM_006295.3 (MANE Select); coding-DNA position 2625, C replaced by T.
Protein change: p.Asp875=; no amino-acid change (aspartic acid 875 retained).
Molecular consequence: synonymous variant.
Genome position (GRCh38, 1-based): chr6:31,781,043, G>A on the plus strand (C>T on the coding strand, the complement: VARS1 is on the minus strand). VCF-style: chr6-31781043-G-A. GRCh37 (hg19) VCF-style: chr6-31748820-G-A.
Identifiers: ClinVar variation 3055851 (VCV003055851.3), dbSNP rs707926, ClinGen allele CA3722902.
Genomic context (GRCh38, chr6:31,781,043, plus strand): 5'-CACGGCCCTTCCTGGCTGGCCCAGCACCCAGCCCACCTGCAGGGAGATTCCATAGATGAC[G>A]TCCAGGGGATCGATGACATTGCCTAGAGACTTGCTCATCTTCCGGCCGTGAGCATCTCGC-3'
Protein context (NP_006286.1, residues 865-885): KSLGNVIDPL[Asp875=]VIYGISLQGL

ClinVar aggregate classification (germline): Benign. Review status: criteria provided, single submitter (1 of 4 stars). 2 submissions from 2 submitters: Benign (1). 1 of the submissions does not count toward it. Last evaluated 2024-11-27.

Conditions:
VARS1-related disorder. Also called: VARS1-related condition.

Allele frequency attached by ClinVar (database versions not stated): ESP Exome Variant Server 0.22524; TOPMed 0.23287; gnomAD 0.23782; 1000 Genomes Project 0.25599; 1000 Genomes Project 30x 0.26109.
gnomAD v4.1: 292,260 of 1,613,696 alleles (18%); highest among the groups gnomAD compares: African/African-American, 33%; 29,908 homozygotes.

Submissions (2):

Blueprint Genetics
Classification: Benign. Last evaluated: 2024-11-27. Review status: criteria provided, single submitter. Criteria: ACMG Guidelines, 2015. Collection method: clinical testing. Allele origin: germline.

PreventionGenetics, part of Exact Sciences
Classification: Benign for VARS1-related condition. Last evaluated: 2019-10-21. Review status: no assertion criteria provided. Collection method: clinical testing. Allele origin: germline. Not counted in ClinVar's aggregate classification.
Comment: This variant is classified as benign based on ACMG/AMP sequence variant interpretation guidelines (Richards et al. 2015 PMID: 25741868, with internal and published modifications).